The following is an entry in ClinVar:

ClinVar aggregate classification (germline): Conflicting classifications of pathogenicity. Review status: criteria provided, conflicting classifications (1 of 4 stars). 6 submissions from 2 submitters: Uncertain significance (3); Benign (2); Likely benign (1). Last evaluated 2021-03-25.

Conditions:
Early-onset myopathy with fatal cardiomyopathy (CMYO5). Also called: CONGENITAL MYOPATHY 5 WITH CARDIOMYOPATHY; Salih Myopathy. Identifiers: Orphanet 289377, MedGen C2673677, MONDO:0012714, OMIM 611705. Disease mechanism: loss of function.
Autosomal recessive limb-girdle muscular dystrophy type 2J (LGMDR10). Also called: Limb-girdle muscular dystrophy, type 2J; MUSCULAR DYSTROPHY, LIMB-GIRDLE, AUTOSOMAL RECESSIVE 10. Identifiers: Orphanet 140922, MedGen C1837342, MONDO:0012127, OMIM 608807.
Myopathy, myofibrillar, 9, with early respiratory failure (MFM9). Also called: EDSTROM MYOPATHY; MYOPATHY, PROXIMAL, WITH EARLY RESPIRATORY MUSCLE INVOLVEMENT; Myopathy, distal, with early respiratory failure, autosomal dominant; Hereditary myopathy with early respiratory failure. Identifiers: Orphanet 178464, Orphanet 34521, MedGen C1863599, MONDO:0011362, OMIM 603689.
Tibial muscular dystrophy (TMD). Also called: Tibial muscular dystrophy, tardive; UDD MYOPATHY; Udd Distal Myopathy – Tibial Muscular Dystrophy. Identifiers: Orphanet 609, MedGen C1838244, MONDO:0010870, OMIM 600334.
Dilated cardiomyopathy 1G (CMD1G). Identifiers: Orphanet 154, MedGen C1858763, MONDO:0011400, OMIM 604145.

Allele frequency attached by ClinVar (database versions not stated): TOPMed 0.00001; gnomAD exomes 0.00002 and 0.00010; gnomAD 0.00003; ExAC 0.00004; 1000 Genomes Project 30x 0.00016; 1000 Genomes Project 0.00020.
gnomAD v4.1: 141 of 1,613,416 alleles (0.0087%); highest among the groups gnomAD compares: East Asian, 0.31%; no homozygotes.

Submissions (6):

Revvity Omics, Revvity
Classification: Uncertain significance. Last evaluated: 2021-03-25. Review status: criteria provided, single submitter. Criteria: ACMG Guidelines, 2015. Collection method: clinical testing. Allele origin: germline.

Illumina Laboratory Services, Illumina
Classification: Likely benign for Autosomal recessive limb-girdle muscular dystrophy type 2J. Last evaluated: 2017-04-27. Review status: criteria provided, single submitter. Criteria: ICSL Variant Classification Criteria 13 December 2019. Collection method: clinical testing. Allele origin: germline.
Comment: This variant was observed as part of a predisposition screen in an ostensibly healthy population. A literature search was performed for the gene, cDNA change, and amino acid change (where applicable). No publications were found based on this search. Allele frequency data from public databases allowed determination this variant is unlikely to cause disease. Therefore, this variant is classified as likely benign.

Illumina Laboratory Services, Illumina
Classification: Benign for Myopathy, myofibrillar, 9, with early respiratory failure. Last evaluated: 2017-04-27. Review status: criteria provided, single submitter. Criteria: ICSL Variant Classification Criteria 13 December 2019. Collection method: clinical testing. Allele origin: germline.
Comment: This variant was observed as part of a predisposition screen in an ostensibly healthy population. A literature search was performed for the gene, cDNA change, and amino acid change (where applicable). No publications were found based on this search. Allele frequency data from public databases was too high to be consistent with this variant causing disease. Therefore, this variant is classified as benign.

Illumina Laboratory Services, Illumina
Classification: Uncertain significance for Dilated cardiomyopathy 1G. Last evaluated: 2017-04-27. Review status: criteria provided, single submitter. Criteria: ICSL Variant Classification Criteria 13 December 2019. Collection method: clinical testing. Allele origin: germline.

Illumina Laboratory Services, Illumina
Classification: Benign for Tibial muscular dystrophy. Last evaluated: 2017-04-27. Review status: criteria provided, single submitter. Criteria: ICSL Variant Classification Criteria 13 December 2019. Collection method: clinical testing. Allele origin: germline.
Comment: the same text as in the submission from Illumina Laboratory Services, Illumina above.

Illumina Laboratory Services, Illumina
Classification: Uncertain significance for Early-onset myopathy with fatal cardiomyopathy. Last evaluated: 2017-04-27. Review status: criteria provided, single submitter. Criteria: ICSL Variant Classification Criteria 13 December 2019. Collection method: clinical testing. Allele origin: germline.

NM_001267550.2(TTN):c.22966A>G (p.Asn7656Asp)

Gene: TTN (titin; minus strand). Cytogenetic location: 2q31.2.
Variant type: single nucleotide variant.
Coding change: c.22966A>G on transcript NM_001267550.2 (MANE Select); coding-DNA position 22966, A replaced by G.
Protein change: p.Asn7656Asp; replaces asparagine 7656 with aspartic acid.
Molecular consequence: missense variant. On other transcripts: intron variant (3).
Genome position (GRCh38, 1-based): chr2:178,721,053, T>C on the plus strand (A>G on the coding strand, the complement: TTN is on the minus strand). VCF-style: chr2-178721053-T-C. GRCh37 (hg19) VCF-style: chr2-179585780-T-C.
Other names: c.22015A>G, p.Asn7339Asp (NM_001256850.1); c.19234A>G, p.Asn6412Asp (NM_133378.4); c.13282+17029A>G (NM_003319.4); c.13858+17029A>G (NM_133437.4); c.13657+17029A>G (NM_133432.3); short protein forms N6412D, N7339D, N7656D.
Identifiers: ClinVar variation 893298 (VCV000893298.6), dbSNP rs184123332, ClinGen allele CA2000738.
Genomic context (GRCh38, chr2:178,721,053, plus strand): 5'-TGTCTTCAGCACTAGCTTCATTGATCGTAAGCAATGCCACAGAATTAATGAATGACATGT[T>C]GTATTTCCAACTTTCATGAAGTTCGCTGTCATTTCGGAACCATGAAACTTTGATTTCTGG-3'
Protein context (NP_001254479.2, residues 7646-7666): DSELHESWKY[Asn7656Asp]MSFINSVALL